The following is an entry in ClinVar:

NM_198239.2(CCN6):c.346T>A (p.Tyr116Asn)

Gene: CCN6 (cellular communication network factor 6; plus strand). Cytogenetic location: 6q21.
Variant type: single nucleotide variant.
Coding change: c.346T>A on transcript NM_198239.2 (MANE Select); coding-DNA position 346, T replaced by A.
Protein change: p.Tyr116Asn; replaces tyrosine 116 with asparagine.
Molecular consequence: missense variant. On other transcripts: non-coding transcript variant (2).
Genome position (GRCh38, 1-based): chr6:112,061,288, T>A. VCF-style: chr6-112061288-T-A. GRCh37 (hg19) VCF-style: chr6-112382491-T-A.
Other names: c.346T>A, p.Tyr116Asn (NM_003880.4); short protein forms Y116N.
Identifiers: ClinVar variation 2504660 (VCV002504660.1), dbSNP rs782066946, ClinGen allele CA3963964.

ClinVar aggregate classification (germline): Uncertain significance (1 of 4 stars; one submission).

gnomAD v4.1: 2 of 1,614,162 alleles (0.00012%); highest among the groups gnomAD compares: South Asian, 0.0011%; no homozygotes.

Submission:

GeneDx
Classification: Uncertain significance. Last evaluated: 2022-12-12. Review status: criteria provided, single submitter. Criteria: GeneDx Variant Classification Process June 2021. Collection method: clinical testing. Allele origin: germline. Affected: yes.
Comment: Not observed at significant frequency in large population cohorts (gnomAD); In silico analysis supports that this missense variant has a deleterious effect on protein structure/function; Has not been previously published as pathogenic or benign to our knowledge